The following is an entry in ClinVar:

NM_001999.4(FBN2):c.2725G>A (p.Val909Met)

Gene: FBN2 (fibrillin 2; minus strand). Cytogenetic location: 5q23.3.
Variant type: single nucleotide variant.
Coding change: c.2725G>A on transcript NM_001999.4 (MANE Select); coding-DNA position 2725, G replaced by A.
Protein change: p.Val909Met; replaces valine 909 with methionine.
Molecular consequence: missense variant.
Genome position (GRCh38, 1-based): chr5:128,350,955, C>T on the plus strand (G>A on the coding strand, the complement: FBN2 is on the minus strand). VCF-style: chr5-128350955-C-T. GRCh37 (hg19) VCF-style: chr5-127686647-C-T.
Other names: short protein forms V909M.
Identifiers: ClinVar variation 2845165 (VCV002845165.3), dbSNP rs2479308953, ClinGen allele CA360766352.

ClinVar aggregate classification (germline): Uncertain significance (1 of 4 stars; one submission).

Conditions:
Congenital contractural arachnodactyly (CCA). Also called: Beals-Hecht syndrome; BEALS SYNDROME; Arthrogryposis, distal, type 9. Identifiers: Orphanet 115, MedGen C0220668, MONDO:0007363, OMIM 121050.

Allele frequency attached by ClinVar (database versions not stated): gnomAD exomes below 0.00001.
gnomAD v4.1: 1 of 1,614,196 alleles (0.000062%); highest among the groups gnomAD compares: Non-Finnish European, 0.000085%; no homozygotes.

Submission:

Labcorp Genetics (formerly Invitae), Labcorp
Classification: Uncertain significance for Congenital contractural arachnodactyly. Last evaluated: 2023-03-12. Review status: criteria provided, single submitter. Criteria: Invitae Variant Classification Sherloc (09022015). Collection method: clinical testing. Allele origin: germline.
Comment: This variant has not been reported in the literature in individuals affected with FBN2-related conditions. Advanced modeling of protein sequence and biophysical properties (such as structural, functional, and spatial information, amino acid conservation, physicochemical variation, residue mobility, and thermodynamic stability) performed at Invitae indicates that this missense variant is not expected to disrupt FBN2 protein function. Algorithms developed to predict the effect of sequence changes on RNA splicing suggest that this variant may disrupt the consensus splice site. In summary, the available evidence is currently insufficient to determine the role of this variant in disease. Therefore, it has been classified as a Variant of Uncertain Significance. This variant is not present in population databases (gnomAD no frequency). This sequence change replaces valine, which is neutral and non-polar, with methionine, which is neutral and non-polar, at codon 909 of the FBN2 protein (p.Val909Met).